The following is an entry in ClinVar:

NM_001267550.2(TTN):c.41885-16T>C

Gene: TTN (titin; minus strand). Cytogenetic location: 2q31.2.
Variant type: single nucleotide variant.
Coding change: c.41885-16T>C on transcript NM_001267550.2 (MANE Select); 16 bases into the intron before coding-DNA position 41885, T replaced by C.
Molecular consequence: intron variant.
Genome position (GRCh38, 1-based): chr2:178,635,320, A>G on the plus strand (T>C on the coding strand, the complement: TTN is on the minus strand). VCF-style: chr2-178635320-A-G. GRCh37 (hg19) VCF-style: chr2-179500047-A-G.
Other names: c.14690-16T>C (NM_003319.4); c.15266-16T>C (NM_133437.4); c.15065-16T>C (NM_133432.3); c.34181-16T>C (NM_133378.4); c.36962-16T>C (NM_001256850.1).
Identifiers: ClinVar variation 378818 (VCV000378818.9), dbSNP rs368838630, ClinGen allele CA1996186.

ClinVar aggregate classification (germline): Benign/Likely benign. Review status: criteria provided, multiple submitters, no conflicts (2 of 4 stars). 2 submissions from 2 submitters: Benign (1); Likely benign (1). Last evaluated 2025-12-23.

Conditions:
Dilated cardiomyopathy 1G (CMD1G). Identifiers: Orphanet 154, MedGen C1858763, MONDO:0011400, OMIM 604145.
Autosomal recessive limb-girdle muscular dystrophy type 2J (LGMDR10). Also called: Limb-girdle muscular dystrophy, type 2J; MUSCULAR DYSTROPHY, LIMB-GIRDLE, AUTOSOMAL RECESSIVE 10. Identifiers: Orphanet 140922, MedGen C1837342, MONDO:0012127, OMIM 608807.

Allele frequency attached by ClinVar (database versions not stated): gnomAD exomes 0.00002 and 0.00006; ExAC 0.00005; TOPMed 0.00011; gnomAD 0.00013; 1000 Genomes Project 30x 0.00016; ESP Exome Variant Server 0.00017; 1000 Genomes Project 0.00020.
gnomAD v4.1: 44 of 1,612,064 alleles (0.0027%); highest among the groups gnomAD compares: African/African-American, 0.036%; no homozygotes.

Submissions (2):

Labcorp Genetics (formerly Invitae), Labcorp
Classification: Likely benign for Dilated cardiomyopathy 1G; Autosomal recessive limb-girdle muscular dystrophy type 2J. Last evaluated: 2025-12-23. Review status: criteria provided, single submitter. Criteria: Invitae Variant Classification Sherloc (09022015). Collection method: clinical testing. Allele origin: germline.

GeneDx
Classification: Benign. Last evaluated: 2015-12-01. Review status: criteria provided, single submitter. Criteria: GeneDx Variant Classification (06012015). Collection method: clinical testing. Allele origin: germline. Affected: yes.
Comment: This variant is considered likely benign or benign based on one or more of the following criteria: it is a conservative change, it occurs at a poorly conserved position in the protein, it is predicted to be benign by multiple in silico algorithms, and/or has population frequency not consistent with disease.